The following is an entry in ClinVar:

NM_001267550.2(TTN):c.60343G>A (p.Asp20115Asn)

Genes: TTN-AS1 (TTN antisense RNA 1; plus strand), TTN (titin; minus strand). Cytogenetic location: 2q31.2.
Variant type: single nucleotide variant.
Coding change: c.60343G>A on transcript NM_001267550.2 (MANE Select); coding-DNA position 60343, G replaced by A.
Protein change: p.Asp20115Asn; replaces aspartic acid 20115 with asparagine.
Molecular consequence: missense variant.
Genome position (GRCh38, 1-based): chr2:178,591,382, C>T on the plus strand (G>A on the coding strand, the complement: TTN is on the minus strand). VCF-style: chr2-178591382-C-T. GRCh37 (hg19) VCF-style: chr2-179456109-C-T.
Other names: p.Asp18474Asn; c.55420G>A, p.Asp18474Asn (NM_001256850.1); c.33148G>A, p.Asp11050Asn (NM_003319.4); c.52639G>A, p.Asp17547Asn (NM_133378.4); c.33523G>A, p.Asp11175Asn (NM_133432.3); c.33724G>A, p.Asp11242Asn (NM_133437.4); short protein forms D17547N, D20115N, D11050N, D11175N, D11242N, D18474N.
Identifiers: ClinVar variation 332820 (VCV000332820.19), dbSNP rs369893671, ClinGen allele CA1992502.

ClinVar aggregate classification (germline): Conflicting classifications of pathogenicity. Review status: criteria provided, conflicting classifications (1 of 4 stars). 12 submissions from 8 submitters: Uncertain significance (8); Likely benign (2). 2 of the submissions do not count toward it. Last evaluated 2026-06-20.

Conditions:
Early-onset myopathy with fatal cardiomyopathy (CMYO5). Also called: Salih Myopathy; CONGENITAL MYOPATHY 5 WITH CARDIOMYOPATHY. Identifiers: Orphanet 289377, MedGen C2673677, MONDO:0012714, OMIM 611705. Disease mechanism: loss of function.
Myopathy, myofibrillar, 9, with early respiratory failure (MFM9). Also called: MYOPATHY, PROXIMAL, WITH EARLY RESPIRATORY MUSCLE INVOLVEMENT; Hereditary myopathy with early respiratory failure; Myopathy, distal, with early respiratory failure, autosomal dominant; EDSTROM MYOPATHY. Identifiers: Orphanet 178464, Orphanet 34521, MedGen C1863599, MONDO:0011362, OMIM 603689.
Autosomal recessive limb-girdle muscular dystrophy type 2J (LGMDR10). Also called: Limb-girdle muscular dystrophy, type 2J; MUSCULAR DYSTROPHY, LIMB-GIRDLE, AUTOSOMAL RECESSIVE 10. Identifiers: Orphanet 140922, MedGen C1837342, MONDO:0012127, OMIM 608807.
TTN-related disorder. Also called: TTN-related disorders; TTN-related condition; TTN-related disease.
Tibial muscular dystrophy (TMD). Also called: UDD MYOPATHY; Tibial muscular dystrophy, tardive; Udd Distal Myopathy – Tibial Muscular Dystrophy. Identifiers: Orphanet 609, MedGen C1838244, MONDO:0010870, OMIM 600334.
Dilated cardiomyopathy 1G (CMD1G). Identifiers: Orphanet 154, MedGen C1858763, MONDO:0011400, OMIM 604145.

Allele frequency attached by ClinVar (database versions not stated): gnomAD exomes 0.00002; ExAC 0.00004; gnomAD 0.00006; TOPMed 0.00011; ESP Exome Variant Server 0.00025.

Submissions (12):

PreventionGenetics, part of Exact Sciences
Classification: Uncertain significance for TTN-related condition. Last evaluated: 2026-06-20. Review status: criteria provided, single submitter. Criteria: ACMG Guidelines, 2015. Collection method: clinical testing. Allele origin: germline.
Comment: The TTN c.60343G>A variant is predicted to result in the amino acid substitution p.Asp20115Asn. To our knowledge, this variant has not been reported in the literature. This variant is reported in 0.017% of alleles in individuals of African descent in gnomAD. At this time, the clinical significance of this variant is uncertain due to the absence of conclusive functional and genetic evidence.

Revvity Omics, Revvity
Classification: Uncertain significance. Last evaluated: 2024-12-31. Review status: criteria provided, single submitter. Criteria: ACMG Guidelines, 2015. Collection method: clinical testing. Allele origin: germline.

Women's Health and Genetics/Laboratory Corporation of America, LabCorp
Classification: Uncertain significance. Last evaluated: 2024-12-10. Review status: criteria provided, single submitter. Criteria: LabCorp Variant Classification Summary - May 2015. Collection method: clinical testing. Allele origin: germline.
Comment: Variant summary: TTN c.52639G>A (p.Asp17547Asn) results in a conservative amino acid change located in the A band region of the encoded protein sequence. Three of four in-silico tools predict a benign effect of the variant on protein function. The variant allele was found at a frequency of 2.4e-05 in 248162 control chromosomes. The available data on variant occurrences in the general population are insufficient to allow any conclusion about variant significance. To our knowledge, no occurrence of c.52639G>A in individuals affected with Autosomal Recessive Titinopathy and no experimental evidence demonstrating its impact on protein function have been reported. ClinVar contains an entry for this variant (Variation ID: 332820). Based on the evidence outlined above, the variant was classified as uncertain significance.

Mayo Clinic Laboratories, Mayo Clinic
Classification: Uncertain significance. Last evaluated: 2021-04-06. Review status: criteria provided, single submitter. Criteria: ACMG Guidelines, 2015. Collection method: clinical testing. Allele origin: germline.

Athena Diagnostics
Classification: Uncertain significance. Last evaluated: 2019-07-10. Review status: criteria provided, single submitter. Criteria: Athena Diagnostics Criteria. Collection method: clinical testing. Allele origin: germline.

Illumina Laboratory Services, Illumina
Classification: Uncertain significance for Autosomal recessive limb-girdle muscular dystrophy type 2J. Last evaluated: 2018-01-12. Review status: criteria provided, single submitter. Criteria: ICSL Variant Classification Criteria 13 December 2019. Collection method: clinical testing. Allele origin: germline.

Illumina Laboratory Services, Illumina
Classification: Likely benign for Myopathy, myofibrillar, 9, with early respiratory failure. Last evaluated: 2018-01-12. Review status: criteria provided, single submitter. Criteria: ICSL Variant Classification Criteria 13 December 2019. Collection method: clinical testing. Allele origin: germline.
Comment: This variant was observed in the ICSL laboratory as part of a predisposition screen in an ostensibly healthy population. It had not been previously curated by ICSL or reported in the Human Gene Mutation Database (HGMD: prior to June 1st, 2018), and was therefore a candidate for classification through an automated scoring system. Utilizing variant allele frequency, disease prevalence and penetrance estimates, and inheritance mode, an automated score was calculated to assess if this variant is too frequent to cause the disease. Based on the score and internal cut-off values, a variant classified as likely benign is not then subjected to further curation. The score for this variant resulted in a classification of likely benign for this disease.

Illumina Laboratory Services, Illumina
Classification: Uncertain significance for Dilated cardiomyopathy 1G. Last evaluated: 2018-01-12. Review status: criteria provided, single submitter. Criteria: ICSL Variant Classification Criteria 13 December 2019. Collection method: clinical testing. Allele origin: germline.

Illumina Laboratory Services, Illumina
Classification: Uncertain significance for Early-onset myopathy with fatal cardiomyopathy. Last evaluated: 2018-01-12. Review status: criteria provided, single submitter. Criteria: ICSL Variant Classification Criteria 13 December 2019. Collection method: clinical testing. Allele origin: germline.

Illumina Laboratory Services, Illumina
Classification: Likely benign for Tibial muscular dystrophy. Last evaluated: 2018-01-12. Review status: criteria provided, single submitter. Criteria: ICSL Variant Classification Criteria 13 December 2019. Collection method: clinical testing. Allele origin: germline.
Comment: the same text as in the submission from Illumina Laboratory Services, Illumina above.

Diagnostic Laboratory, Department of Genetics, University Medical Center Groningen
Classification: Uncertain significance. Review status: no assertion criteria provided. Collection method: clinical testing. Allele origin: germline. Affected: yes. Study: VKGL Data-share Consensus. Not counted in ClinVar's aggregate classification.

Joint Genome Diagnostic Labs from Nijmegen and Maastricht, Radboudumc and MUMC+
Classification: Uncertain significance. Review status: no assertion criteria provided. Collection method: clinical testing. Allele origin: germline. Affected: yes. Study: VKGL Data-share Consensus. Not counted in ClinVar's aggregate classification.